The following is an entry in ClinVar:

NM_001199397.3(NEK1):c.1028A>G (p.Gln343Arg)

Gene: NEK1 (NIMA related kinase 1; minus strand). Cytogenetic location: 4q33.
Variant type: single nucleotide variant.
Coding change: c.1028A>G on transcript NM_001199397.3 (MANE Select); coding-DNA position 1028, A replaced by G.
Protein change: p.Gln343Arg; replaces glutamine 343 with arginine.
Molecular consequence: missense variant. On other transcripts: non-coding transcript variant (2).
Genome position (GRCh38, 1-based): chr4:169,562,189, T>C on the plus strand (A>G on the coding strand, the complement: NEK1 is on the minus strand). VCF-style: chr4-169562189-T-C. GRCh37 (hg19) VCF-style: chr4-170483340-T-C.
Other names: c.1028A>G, p.Gln343Arg (NM_001199398.3, NM_001199399.3, NM_001199400.3 and 7 more transcripts); short protein forms Q343R.
Identifiers: ClinVar variation 950299 (VCV000950299.9), dbSNP rs184254879, ClinGen allele CA3137875.
Genomic context (GRCh38, chr4:169,562,189, plus strand): 5'-CTTTATACCTCAGATATTTTCCTCCTTTCTTCTCCAGTATTCACTCTCTTCTCTGGAGTT[T>C]GATGGGCCTGGACAAAAAGTAAAACTACAAATTAAATAAAGATTTTGAGGCACTTATTTG-3'
Protein context (NP_001186326.1, residues 333-353): KPLQKHKQAH[Gln343Arg]TPEKRVNTGE

ClinVar aggregate classification (germline): Uncertain significance (1 of 4 stars; one submission).

Conditions:
Short-rib thoracic dysplasia 6 with or without polydactyly (SRTD6). Also called: SHORT-RIB THORACIC DYSPLASIA 6 WITH POLYDACTYLY; POLYDACTYLY WITH NEONATAL CHONDRODYSTROPHY, TYPE II; SHORT RIB-POLYDACTYLY SYNDROME, TYPE IIA; SHORT-RIB THORACIC DYSPLASIA 6 WITHOUT POLYDACTYLY; Majewski Syndrome. Identifiers: MedGen C0024507, MONDO:0009894, OMIM 263520.

Allele frequency attached by ClinVar (database versions not stated): gnomAD exomes below 0.00001; gnomAD 0.00001; TOPMed 0.00003; ExAC 0.00004; 1000 Genomes Project 0.00020; 1000 Genomes Project 30x 0.00031.
gnomAD v4.1: 7 of 1,545,104 alleles (0.00045%); highest among the groups gnomAD compares: East Asian, 0.017%; no homozygotes.

Submission:

Labcorp Genetics (formerly Invitae), Labcorp
Classification: Uncertain significance for Short-rib thoracic dysplasia 6 with or without polydactyly. Last evaluated: 2024-08-19. Review status: criteria provided, single submitter. Criteria: Invitae Variant Classification Sherloc (09022015). Collection method: clinical testing. Allele origin: germline.
Comment: This sequence change replaces glutamine, which is neutral and polar, with arginine, which is basic and polar, at codon 343 of the NEK1 protein (p.Gln343Arg). This variant is present in population databases (rs184254879, gnomAD 0.02%). This variant has not been reported in the literature in individuals affected with NEK1-related conditions. ClinVar contains an entry for this variant (Variation ID: 950299). Invitae Evidence Modeling of protein sequence and biophysical properties (such as structural, functional, and spatial information, amino acid conservation, physicochemical variation, residue mobility, and thermodynamic stability) indicates that this missense variant is not expected to disrupt NEK1 protein function with a negative predictive value of 95%. In summary, the available evidence is currently insufficient to determine the role of this variant in disease. Therefore, it has been classified as a Variant of Uncertain Significance.